The following is an entry in ClinVar:

ClinVar aggregate classification (germline): Pathogenic (1 of 4 stars; one submission).

Conditions:
Fanconi anemia (FA). Also called: Fanconi's anemia. Identifiers: Orphanet 84, MedGen C0015625, MeSH D005199, MONDO:0019391.

Submission:

Labcorp Genetics (formerly Invitae), Labcorp
Classification: Pathogenic for Fanconi anemia. Last evaluated: 2021-08-22. Review status: criteria provided, single submitter. Criteria: Invitae Variant Classification Sherloc (09022015). Collection method: clinical testing. Allele origin: germline.
Comment: This sequence change creates a premature translational stop signal (p.Leu79Profs*20) in the FANCD2 gene. It is expected to result in an absent or disrupted protein product. Loss-of-function variants in FANCD2 are known to be pathogenic (PMID: 17436244). This variant is not present in population databases (ExAC no frequency). This variant has not been reported in the literature in individuals affected with FANCD2-related conditions. For these reasons, this variant has been classified as Pathogenic.

Literature cited by the submitters: PubMed 17436244.

NM_001018115.3(FANCD2):c.235dup (p.Leu79fs)

Genes: FANCD2 (FA complementation group D2; plus strand), LOC107303338 (3p25 FANCD2 Alu-mediated recombination region; plus strand). Cytogenetic location: 3p25.3.
Variant type: Duplication.
Coding change: c.235dup on transcript NM_001018115.3 (MANE Select); coding-DNA position 235, one base duplicated (C; older notation c.235dupC).
Protein change: p.Leu79fs; shifts the reading frame from leucine 79.
Molecular consequence: frameshift variant.
Genome position (GRCh38, 1-based): chr3:10,034,498, C duplicated. VCF-style (leftmost placement, unchanged base first): chr3-10034497-G-GC. GRCh37 (hg19) VCF-style: chr3-10076181-G-GC.
Other names: c.235dup, p.Leu79fs (NM_001319984.2, NM_001374253.1, NM_001374254.1 and 2 more transcripts); short protein forms L79fs.
Identifiers: ClinVar variation 1454740 (VCV001454740.6), dbSNP rs2124974621, ClinGen allele CA2573136066.